The following is an entry in ClinVar:

NC_000017.11:g.(?_58720736)_(58734232_?)dup

Gene: RAD51C (RAD51 paralog C; plus strand). Cytogenetic location: 17q22.
Variant type: Duplication.
Identifiers: ClinVar variation 833126 (VCV000833126.3).

ClinVar aggregate classification (germline): Uncertain significance (1 of 4 stars; one submission).

Conditions:
Fanconi anemia complementation group O. Also called: RAD51C-Related Fanconi Anemia. Identifiers: Orphanet 84, MedGen C3150653, MONDO:0013248, OMIM 613390.

Submission:

Labcorp Genetics (formerly Invitae), Labcorp
Classification: Uncertain significance for Fanconi anemia complementation group O. Last evaluated: 2019-06-26. Review status: criteria provided, single submitter. Criteria: Invitae Variant Classification Sherloc (09022015). Collection method: clinical testing. Allele origin: germline.
Comment: This variant results in a copy number gain of the genomic region encompassing exons 6-9 of the RAD51C gene. The 5' boundary is likely confined to intron 5. The 3' end of this event is unknown as it extends beyond the assayed region for this gene and therefore may encompass additional genes. As the precise location of this event is unknown, it may be in tandem or it may be located elsewhere in the genome. In summary, the available evidence is currently insufficient to determine the role of this variant in disease. Therefore, it has been classified as a Variant of Uncertain Significance. Experimental studies and prediction algorithms are not available or were not evaluated for this variant, and the functional significance of the affected amino acid(s) is currently unknown. This variant has not been reported in the literature in individuals with RAD51C-related conditions.